The following is an entry in ClinVar:

ClinVar aggregate classification (germline): Pathogenic (1 of 4 stars; one submission).

Conditions:
Autosomal recessive ataxia, Beauce type. Also called: SYNE1-Related Autosomal Recessive Cerebellar Ataxia; Spinocerebellar ataxia, autosomal recessive 8; ATAXIA, RECESSIVE, OF BEAUCE; SYNE1 Deficiency. Identifiers: Orphanet 88644, MedGen C1853116, MONDO:0012549, OMIM 610743.
Emery-Dreifuss muscular dystrophy 4, autosomal dominant (EDMD4). Also called: EMERY-DREIFUSS MUSCULAR DYSTROPHY 4 WITH VARIABLE FEATURES. Identifiers: Orphanet 261, MedGen C2751807, MONDO:0013071, OMIM 612998.

Submission:

Labcorp Genetics (formerly Invitae), Labcorp
Classification: Pathogenic for Emery-Dreifuss muscular dystrophy 4, autosomal dominant; Autosomal recessive ataxia, Beauce type. Last evaluated: 2021-11-07. Review status: criteria provided, single submitter. Criteria: Invitae Variant Classification Sherloc (09022015). Collection method: clinical testing. Allele origin: germline.
Comment: This variant is a gross deletion of the genomic region encompassing exon(s) 130 of the SYNE1 gene. This deletion is out-of-frame, and is expected to create a premature termination codon and result in an absent or disrupted protein product. Loss-of-function variants in SYNE1 are known to be pathogenic (PMID: 19542096, 24319099, 27086870). For these reasons, this variant has been classified as Pathogenic. This variant has not been reported in the literature in individuals affected with SYNE1-related conditions.

Literature cited by the submitters: PubMed 19542096; PubMed 24319099; PubMed 27086870.

NC_000006.11:g.(?_152485278)_(152485480_?)del

Gene: SYNE1 (spectrin repeat containing nuclear envelope protein 1; minus strand). Cytogenetic location: 6q25.1.
Variant type: Deletion.
Identifiers: ClinVar variation 1459145 (VCV001459145.4).